The following is an entry in ClinVar:

NM_001942.4(DSG1):c.1830C>G (p.Thr610=)

Genes: DSG1 (desmoglein 1; plus strand), DSG1-AS1 (DSG1 antisense RNA 1; minus strand). Cytogenetic location: 18q12.1.
Variant type: single nucleotide variant.
Coding change: c.1830C>G on transcript NM_001942.4 (MANE Select); coding-DNA position 1830, C replaced by G.
Protein change: p.Thr610=; no amino-acid change (threonine 610 retained).
Molecular consequence: synonymous variant.
Genome position (GRCh38, 1-based): chr18:31,343,934, C>G. VCF-style: chr18-31343934-C-G. GRCh37 (hg19) VCF-style: chr18-28923897-C-G.
Other names: c.1830C>G (NM_001942.3).
Identifiers: ClinVar variation 1532465 (VCV001532465.11), dbSNP rs759219015, ClinGen allele CA8926194.
Genomic context (GRCh38, chr18:31,343,934, plus strand): 5'-AGATTATAGTCATTGGTCACTACAAATGGAAATGTTGTTTCCTGTCTTTTAGGATATAAC[C>G]ACTGTCATACCACAAATACCACCTGATAACGCAAATATAATTGAATGCATTGACAACTCA-3'
Protein context (NP_001933.2, residues 600-620): EGPQPEPRDI[Thr610=]TVIPQIPPDN

ClinVar aggregate classification (germline): Likely benign. Review status: criteria provided, multiple submitters, no conflicts (2 of 4 stars). 3 submissions from 3 submitters: Likely benign (2). 1 of the submissions does not count toward it. Last evaluated 2024-07-08.

Conditions:
DSG1-related disorder. Also called: DSG1-related condition.

Allele frequency attached by ClinVar (database versions not stated): gnomAD 0.00001; TOPMed 0.00001; ExAC 0.00002.
gnomAD v4.1: 24 of 1,611,720 alleles (0.0015%); highest among the groups gnomAD compares: Non-Finnish European, 0.002%; no homozygotes.

Submissions (3):

Blueprint Genetics
Classification: Likely benign. Last evaluated: 2024-07-08. Review status: criteria provided, single submitter. Criteria: ACMG Guidelines, 2015. Collection method: clinical testing. Allele origin: germline.

Labcorp Genetics (formerly Invitae), Labcorp
Classification: Likely benign. Last evaluated: 2022-08-15. Review status: criteria provided, single submitter. Criteria: Invitae Variant Classification Sherloc (09022015). Collection method: clinical testing. Allele origin: germline.

PreventionGenetics, part of Exact Sciences
Classification: Likely benign for DSG1-related condition. Last evaluated: 2019-08-29. Review status: no assertion criteria provided. Collection method: clinical testing. Allele origin: germline. Not counted in ClinVar's aggregate classification.
Comment: This variant is classified as likely benign based on ACMG/AMP sequence variant interpretation guidelines (Richards et al. 2015 PMID: 25741868, with internal and published modifications).